The following is an entry in ClinVar:

NM_006348.5(COG5):c.961C>A (p.Gln321Lys)

Gene: COG5 (component of oligomeric golgi complex 5; minus strand). Cytogenetic location: 7q22.3.
Variant type: single nucleotide variant.
Coding change: c.961C>A on transcript NM_006348.5 (MANE Select); coding-DNA position 961, C replaced by A.
Protein change: p.Gln321Lys; replaces glutamine 321 with lysine.
Molecular consequence: missense variant. On other transcripts: intron variant (1).
Genome position (GRCh38, 1-based): chr7:107,362,098, G>T on the plus strand (C>A on the coding strand, the complement: COG5 is on the minus strand). VCF-style: chr7-107362098-G-T. GRCh37 (hg19) VCF-style: chr7-107002543-G-T.
Other names: c.961C>A, p.Gln321Lys (NM_001161520.2, NM_001379511.1, NM_001379512.1 and 3 more transcripts); c.247C>A, p.Gln83Lys (NM_001379516.1); c.539-63752C>A (NM_001379515.1); c.1054C>A (NM_006348.3); short protein forms Q83K, Q321K.
Identifiers: ClinVar variation 1401591 (VCV001401591.5), dbSNP rs370028534, ClinGen allele CA4431040.
Genomic context (GRCh38, chr7:107,362,098, plus strand): 5'-CTATTTCTTCAATGAAACAAATGTGAGAAACAGGATCTCTCTTCTTGGCCAATACTTTTT[G>T]TAGATGTTGTACCTTAAATGAAACAAATGTAAAGCTTAGGCAATAGAAAAAGCAAGAAAA-3'
Protein context (NP_006339.4, residues 311-331): YAVCGQVQHL[Gln321Lys]KVLAKKRDPV

ClinVar aggregate classification (germline): Uncertain significance. Review status: criteria provided, multiple submitters, no conflicts (2 of 4 stars). 3 submissions from 3 submitters: Uncertain significance (3). Last evaluated 2025-02-01.

Conditions:
Inborn genetic diseases. Identifiers: MedGen C0950123, MeSH D030342.
COG5-congenital disorder of glycosylation. Also called: COG5-CDG; CDG IIi; CONGENITAL DISORDER OF GLYCOSYLATION, TYPE IIi. Identifiers: Orphanet 263487, MedGen C3150876, MONDO:0013325, OMIM 613612.

Allele frequency attached by ClinVar (database versions not stated): gnomAD exomes 0.00001 and 0.00002; ExAC 0.00003; ESP Exome Variant Server 0.00008; gnomAD 0.00010.
gnomAD v4.1: 27 of 1,606,208 alleles (0.0017%); highest among the groups gnomAD compares: African/African-American, 0.035%; no homozygotes.

Submissions (3):

Ambry Genetics
Classification: Uncertain significance for Inborn genetic diseases. Last evaluated: 2025-02-01. Review status: criteria provided, single submitter. Criteria: Ambry Variant Classification Scheme 2023. Collection method: clinical testing. Allele origin: germline.

Fulgent Genetics
Classification: Uncertain significance for COG5-congenital disorder of glycosylation. Last evaluated: 2024-06-04. Review status: criteria provided, single submitter. Criteria: ACMG Guidelines, 2015. Collection method: clinical testing. Allele origin: germline.

Labcorp Genetics (formerly Invitae), Labcorp
Classification: Uncertain significance for COG5-congenital disorder of glycosylation. Last evaluated: 2022-03-12. Review status: criteria provided, single submitter. Criteria: Invitae Variant Classification Sherloc (09022015). Collection method: clinical testing. Allele origin: germline.
Comment: This sequence change replaces glutamine, which is neutral and polar, with lysine, which is basic and polar, at codon 352 of the COG5 protein (p.Gln352Lys). This variant is present in population databases (rs370028534, gnomAD 0.03%). This variant has not been reported in the literature in individuals affected with COG5-related conditions. Algorithms developed to predict the effect of missense changes on protein structure and function are either unavailable or do not agree on the potential impact of this missense change (SIFT: "Tolerated"; PolyPhen-2: "Probably Damaging"; Align-GVGD: "Class C0"). In summary, the available evidence is currently insufficient to determine the role of this variant in disease. Therefore, it has been classified as a Variant of Uncertain Significance.